The following is an entry in ClinVar:

NM_000258.3(MYL3):c.338C>T (p.Thr113Ile)

Gene: MYL3 (myosin light chain 3; minus strand). Cytogenetic location: 3p21.31.
Variant type: single nucleotide variant.
Coding change: c.338C>T on transcript NM_000258.3 (MANE Select); coding-DNA position 338, C replaced by T.
Protein change: p.Thr113Ile; replaces threonine 113 with isoleucine.
Molecular consequence: missense variant.
Genome position (GRCh38, 1-based): chr3:46,859,618, G>A on the plus strand (C>T on the coding strand, the complement: MYL3 is on the minus strand). VCF-style: chr3-46859618-G-A. GRCh37 (hg19) VCF-style: chr3-46901108-G-A.
Other names: short protein forms T113I.
Identifiers: ClinVar variation 43122 (VCV000043122.10), dbSNP rs397516278, ClinGen allele CA013745.
Genomic context (GRCh38, chr3:46,859,618, plus strand): 5'-AAGTCCTCATAGGTGCCTGTGTCCTTGTTCTTGGAAATGTGCTGGAGCATAGGCAGGAAA[G>A]TTTCAAAGTCCATCATCTTGGTATTGAGCTCTGCAGAGAAATGGTCCCAGGTTCCAGGGT-3'
Protein context (NP_000249.1, residues 103-123): ELNTKMMDFE[Thr113Ile]FLPMLQHISK

ClinVar aggregate classification (germline): Uncertain significance. Review status: criteria provided, multiple submitters, no conflicts (2 of 4 stars). 3 submissions from 3 submitters: Uncertain significance (3). Last evaluated 2022-06-28.

Conditions:
Cardiomyopathy (CMYO). Also called: Cardiomyopathies. Identifiers: Orphanet 167848, MedGen C0878544, MONDO:0004994, HP:0001638. Inheritance: Various modes of inheritance.
Hypertrophic cardiomyopathy. Also called: HYPERTROPHIC MYOCARDIOPATHY. Identifiers: Orphanet 217569, MedGen C0007194, MeSH D002312, MONDO:0005045, HP:0001639.

Allele frequency attached by ClinVar (database versions not stated): gnomAD exomes 0.00001.
gnomAD v4.1: 12 of 1,614,200 alleles (0.00074%); highest among the groups gnomAD compares: Non-Finnish European, 0.001%; no homozygotes.

Submissions (3):

Labcorp Genetics (formerly Invitae), Labcorp
Classification: Uncertain significance for Hypertrophic cardiomyopathy. Last evaluated: 2022-06-28. Review status: criteria provided, single submitter. Criteria: Invitae Variant Classification Sherloc (09022015). Collection method: clinical testing. Allele origin: germline.
Comment: This sequence change replaces threonine, which is neutral and polar, with isoleucine, which is neutral and non-polar, at codon 113 of the MYL3 protein (p.Thr113Ile). This variant is not present in population databases (gnomAD no frequency). This missense change has been observed in individual(s) with hypertrophic cardiomyopathy (PMID: 27532257). ClinVar contains an entry for this variant (Variation ID: 43122). Algorithms developed to predict the effect of missense changes on protein structure and function are either unavailable or do not agree on the potential impact of this missense change (SIFT: "Tolerated"; PolyPhen-2: "Possibly Damaging"; Align-GVGD: "Class C0"). In summary, the available evidence is currently insufficient to determine the role of this variant in disease. Therefore, it has been classified as a Variant of Uncertain Significance.

Color Diagnostics, LLC DBA Color Health
Classification: Uncertain significance for Cardiomyopathy. Last evaluated: 2018-12-07. Review status: criteria provided, single submitter. Criteria: ACMG Guidelines, 2015. Collection method: clinical testing. Allele origin: germline.
Comment: Variant of Uncertain Significance due to insufficient evidence: This missense variant is located in the EF-hand domain of the MYL3 protein. Computational prediction tools and conservation analyses are inconclusive regarding the impact of this variant on the protein function. Computational splicing tools suggest that this variant may not impact RNA splicing. To our knowledge, functional assays have not been performed for this variant nor has this variant been reported in individuals affected with cardiovascular disorders in the literature. This variant is rare in the general population and has been identified in 0/277264 chromosomes by the Genome Aggregation Database (gnomAD). Available evidence is insufficient to determine the pathogenicity of this variant conclusively.

Laboratory for Molecular Medicine, Mass General Brigham Personalized Medicine
Classification: Uncertain significance. Last evaluated: 2013-12-17. Review status: criteria provided, single submitter. Criteria: LMM Criteria. Collection method: clinical testing. Allele origin: germline. Observed: 1 variant allele.
Comment: The Thr113Ile variant in MYL3 has not been reported in any other family with car diomyopathy nor in large population studies. Computational analyses (biochemical amino acid properties, conservation, AlignGVGD, PolyPhen2, and SIFT) do not provide strong support for or against an impact to the protein. Additional information is nee ded to fully assess the clinical significance of the Thr113Ile variant.

Literature cited by the submitters: PubMed 27532257 (cited by Labcorp Genetics (formerly Invitae), Labcorp).